The following is an entry in ClinVar:

ClinVar aggregate classification (germline): Uncertain significance (1 of 4 stars; one submission).

Conditions:
Bardet-Biedl syndrome (BBS). Identifiers: Orphanet 110, MedGen C0752166, MONDO:0015229.

Allele frequency attached by ClinVar (database versions not stated): ExAC 0.00002.
gnomAD v4.1: 10 of 1,613,720 alleles (0.00062%); highest among the groups gnomAD compares: African/African-American, 0.013%; no homozygotes.

Submission:

Labcorp Genetics (formerly Invitae), Labcorp
Classification: Uncertain significance for Bardet-Biedl syndrome. Last evaluated: 2022-06-22. Review status: criteria provided, single submitter. Criteria: Invitae Variant Classification Sherloc (09022015). Collection method: clinical testing. Allele origin: germline.
Comment: This sequence change replaces aspartic acid, which is acidic and polar, with glutamic acid, which is acidic and polar, at codon 216 of the BBS10 protein (p.Asp216Glu). This variant is present in population databases (rs748037727, gnomAD 0.02%). This variant has not been reported in the literature in individuals affected with BBS10-related conditions. Algorithms developed to predict the effect of missense changes on protein structure and function output the following: SIFT: "Deleterious"; PolyPhen-2: "Benign"; Align-GVGD: "Class C0". The glutamic acid amino acid residue is found in multiple mammalian species, which suggests that this missense change does not adversely affect protein function. In summary, the available evidence is currently insufficient to determine the role of this variant in disease. Therefore, it has been classified as a Variant of Uncertain Significance.

NM_024685.4(BBS10):c.648C>A (p.Asp216Glu)

Gene: BBS10 (Bardet-Biedl syndrome 10; minus strand). Cytogenetic location: 12q21.2.
Variant type: single nucleotide variant.
Coding change: c.648C>A on transcript NM_024685.4 (MANE Select); coding-DNA position 648, C replaced by A.
Protein change: p.Asp216Glu; replaces aspartic acid 216 with glutamic acid.
Molecular consequence: missense variant.
Genome position (GRCh38, 1-based): chr12:76,347,337, G>T on the plus strand (C>A on the coding strand, the complement: BBS10 is on the minus strand). VCF-style: chr12-76347337-G-T. GRCh37 (hg19) VCF-style: chr12-76741117-G-T.
Other names: short protein forms D216E.
Identifiers: ClinVar variation 1967426 (VCV001967426.2), dbSNP rs748037727, ClinGen allele CA6694307.